The following is an entry in ClinVar:

ClinVar aggregate classification (germline): Likely benign (1 of 4 stars; one submission).

gnomAD v4.1: 9 of 750,589 alleles (0.0012%); highest among the groups gnomAD compares: African/African-American, 0.019%; no homozygotes.

Submission:

CeGaT Center for Human Genetics Tuebingen
Classification: Likely benign. Last evaluated: 2026-02-01. Review status: criteria provided, single submitter. Criteria: CeGaT Center For Human Genetics Tuebingen Variant Classification Criteria Version 2. Collection method: clinical testing. Allele origin: germline. Affected: yes. Observed: 1 variant allele.
Comment: FRMPD4: BP4, BP7, BS2

NM_001368397.1(FRMPD4):c.5214G>A (p.Ser1738=)

Gene: FRMPD4 (FERM and PDZ domain containing 4; plus strand). Cytogenetic location: Xp22.2.
Variant type: single nucleotide variant.
Coding change: c.5214G>A on transcript NM_001368397.1 (MANE Select); coding-DNA position 5214, G replaced by A.
Protein change: p.Ser1738=; no amino-acid change (serine 1738 retained).
Molecular consequence: synonymous variant. On other transcripts: 3 prime UTR variant (6).
Genome position (GRCh38, 1-based): chrX:12,721,783, G>A. VCF-style: chrX-12721783-G-A. GRCh37 (hg19) VCF-style: chrX-12739902-G-A.
Other names: c.*1250G>A (NM_014728.3, NM_001368398.3, NM_001368399.3 and 3 more transcripts); c.5325G>A, p.Ser1775= (NM_001368395.3); c.5220G>A, p.Ser1740= (NM_001368396.3).
Identifiers: ClinVar variation 4822324 (VCV004822324.4).